The following is an entry in ClinVar:

NM_016169.4(SUFU):c.145C>G (p.Pro49Ala)

Gene: SUFU (SUFU negative regulator of hedgehog signaling; plus strand). Cytogenetic location: 10q24.32.
Variant type: single nucleotide variant.
Coding change: c.145C>G on transcript NM_016169.4 (MANE Select); coding-DNA position 145, C replaced by G.
Protein change: p.Pro49Ala; replaces proline 49 with alanine.
Molecular consequence: missense variant.
Genome position (GRCh38, 1-based): chr10:102,504,297, C>G. VCF-style: chr10-102504297-C-G. GRCh37 (hg19) VCF-style: chr10-104264054-C-G.
Other names: c.145C>G, p.Pro49Ala (NM_001178133.2); short protein forms P49A.
Identifiers: ClinVar variation 2923902 (VCV002923902.3), dbSNP rs2135598552, ClinGen allele CA377886636.

ClinVar aggregate classification (germline): Uncertain significance (1 of 4 stars; one submission).

Conditions:
Gorlin syndrome. Also called: Nevoid Basal Cell Carcinoma Syndrome; Basal cell nevus syndrome. Identifiers: Orphanet 377, MedGen C0004779, MONDO:0007187.
Medulloblastoma (MDB). Also called: Medulloblastoma, somatic; MEDULLOBLASTOMA PREDISPOSITION SYNDROME. Identifiers: Orphanet 616, MedGen C0025149, MeSH D008527, MONDO:0007959, OMIM 155255, HP:0002885.

Submission:

Labcorp Genetics (formerly Invitae), Labcorp
Classification: Uncertain significance for Gorlin syndrome; Medulloblastoma. Last evaluated: 2023-04-28. Review status: criteria provided, single submitter. Criteria: Invitae Variant Classification Sherloc (09022015). Collection method: clinical testing. Allele origin: germline.
Comment: In summary, the available evidence is currently insufficient to determine the role of this variant in disease. Therefore, it has been classified as a Variant of Uncertain Significance. Advanced modeling of protein sequence and biophysical properties (such as structural, functional, and spatial information, amino acid conservation, physicochemical variation, residue mobility, and thermodynamic stability) performed at Invitae indicates that this missense variant is not expected to disrupt SUFU protein function. This variant has not been reported in the literature in individuals affected with SUFU-related conditions. This variant is not present in population databases (gnomAD no frequency). This sequence change replaces proline, which is neutral and non-polar, with alanine, which is neutral and non-polar, at codon 49 of the SUFU protein (p.Pro49Ala).